The following is an entry in ClinVar:

NM_000183.3(HADHB):c.694G>T (p.Ala232Ser)

Gene: HADHB (hydroxyacyl-CoA dehydrogenase trifunctional multienzyme complex subunit beta; plus strand). Cytogenetic location: 2p23.3.
Variant type: single nucleotide variant.
Coding change: c.694G>T on transcript NM_000183.3 (MANE Select); coding-DNA position 694, G replaced by T.
Protein change: p.Ala232Ser; replaces alanine 232 with serine.
Molecular consequence: missense variant.
Genome position (GRCh38, 1-based): chr2:26,279,198, G>T. VCF-style: chr2-26279198-G-T. GRCh37 (hg19) VCF-style: chr2-26502066-G-T.
Other names: c.649G>T, p.Ala217Ser (NM_001281512.2); c.628G>T, p.Ala210Ser (NM_001281513.2); short protein forms A210S, A217S, A232S.
Identifiers: ClinVar variation 1494677 (VCV001494677.3), dbSNP rs987203346, ClinGen allele CA346092960.

ClinVar aggregate classification (germline): Uncertain significance (1 of 4 stars; one submission).

Conditions:
Mitochondrial trifunctional protein deficiency. Identifiers: Orphanet 746, MedGen C1969443, MONDO:0012172.

Allele frequency attached by ClinVar (database versions not stated): TOPMed below 0.00001.
gnomAD v4.1: 17 of 1,613,406 alleles (0.0011%); highest among the groups gnomAD compares: Admixed American, 0.0017%; no homozygotes.

Submission:

Labcorp Genetics (formerly Invitae), Labcorp
Classification: Uncertain significance for Mitochondrial trifunctional protein deficiency. Last evaluated: 2022-07-06. Review status: criteria provided, single submitter. Criteria: Invitae Variant Classification Sherloc (09022015). Collection method: clinical testing. Allele origin: germline.
Comment: This sequence change replaces alanine, which is neutral and non-polar, with serine, which is neutral and polar, at codon 232 of the HADHB protein (p.Ala232Ser). This variant is present in population databases (no rsID available, gnomAD 0.0009%). This variant has not been reported in the literature in individuals affected with HADHB-related conditions. ClinVar contains an entry for this variant (Variation ID: 1494677). Algorithms developed to predict the effect of missense changes on protein structure and function (SIFT, PolyPhen-2, Align-GVGD) all suggest that this variant is likely to be tolerated. In summary, the available evidence is currently insufficient to determine the role of this variant in disease. Therefore, it has been classified as a Variant of Uncertain Significance.